The following is an entry in ClinVar:

NM_006397.3(RNASEH2A):c.373A>C (p.Ile125Leu)

Gene: RNASEH2A (ribonuclease H2 subunit A; plus strand). Cytogenetic location: 19p13.13.
Variant type: single nucleotide variant.
Coding change: c.373A>C on transcript NM_006397.3 (MANE Select); coding-DNA position 373, A replaced by C.
Protein change: p.Ile125Leu; replaces isoleucine 125 with leucine.
Molecular consequence: missense variant.
Genome position (GRCh38, 1-based): chr19:12,807,468, A>C. VCF-style: chr19-12807468-A-C. GRCh37 (hg19) VCF-style: chr19-12918282-A-C.
Other names: short protein forms I125L.
Identifiers: ClinVar variation 1025743 (VCV001025743.6), dbSNP rs1969011556, ClinGen allele CA404265995.

ClinVar aggregate classification (germline): Uncertain significance (1 of 4 stars; one submission).

Conditions:
Aicardi-Goutieres syndrome 4. Identifiers: Orphanet 51, MedGen C1835912, MONDO:0012472, OMIM 610333.

gnomAD v4.1: 1 of 1,614,212 alleles (0.000062%); highest among the groups gnomAD compares: Non-Finnish European, 0.000085%; no homozygotes.

Submission:

Labcorp Genetics (formerly Invitae), Labcorp
Classification: Uncertain significance for Aicardi-Goutieres syndrome 4. Last evaluated: 2022-07-13. Review status: criteria provided, single submitter. Criteria: Invitae Variant Classification Sherloc (09022015). Collection method: clinical testing. Allele origin: germline.
Comment: This sequence change replaces isoleucine, which is neutral and non-polar, with leucine, which is neutral and non-polar, at codon 125 of the RNASEH2A protein (p.Ile125Leu). This variant is not present in population databases (gnomAD no frequency). This variant has not been reported in the literature in individuals affected with RNASEH2A-related conditions. ClinVar contains an entry for this variant (Variation ID: 1025743). Algorithms developed to predict the effect of missense changes on protein structure and function are either unavailable or do not agree on the potential impact of this missense change (SIFT: "Deleterious"; PolyPhen-2: "Benign"; Align-GVGD: "Class C0"). In summary, the available evidence is currently insufficient to determine the role of this variant in disease. Therefore, it has been classified as a Variant of Uncertain Significance.